The following is an entry in ClinVar:

ClinVar aggregate classification (germline): Uncertain significance. Review status: criteria provided, multiple submitters, no conflicts (2 of 4 stars). 3 submissions from 3 submitters: Uncertain significance (3). Last evaluated 2024-05-29.

Conditions:
Hereditary cancer-predisposing syndrome. Also called: Neoplastic Syndromes, Hereditary; Tumor predisposition; Hereditary Cancer Syndrome; Hereditary neoplastic syndrome. Identifiers: Orphanet 140162, MedGen C0027672, MeSH D009386, MONDO:0015356.
Familial cancer of breast. Also called: BREAST CANCER, FAMILIAL; hereditary breast carcinoma; Hereditary breast cancer. Identifiers: Orphanet 227535, MedGen C0346153, MONDO:0016419, OMIM 114480. Disease mechanism: loss of function.

Allele frequency attached by ClinVar (database versions not stated): TOPMed below 0.00001.

Submissions (3):

Ambry Genetics
Classification: Uncertain significance for Hereditary cancer-predisposing syndrome. Last evaluated: 2024-05-29. Review status: criteria provided, single submitter. Criteria: Ambry Variant Classification Scheme 2023. Collection method: clinical testing. Allele origin: germline.
Comment: The p.R482K variant (also known as c.1445G>A), located in coding exon 12 of the CHEK2 gene, results from a G to A substitution at nucleotide position 1445. The arginine at codon 482 is replaced by lysine, an amino acid with highly similar properties. This amino acid position is conserved. In addition, this alteration is predicted to be tolerated by in silico analysis. Based on the available evidence, the clinical significance of this variant remains unclear.

GeneDx
Classification: Uncertain significance. Last evaluated: 2022-09-29. Review status: criteria provided, single submitter. Criteria: GeneDx Variant Classification Process June 2021. Collection method: clinical testing. Allele origin: germline. Affected: yes.
Comment: Not observed at significant frequency in large population cohorts (gnomAD); In silico analysis supports that this missense variant does not alter protein structure/function; Has not been previously published as pathogenic or benign to our knowledge; This variant is associated with the following publications: (PMID: 22419737, 19782031)

Labcorp Genetics (formerly Invitae), Labcorp
Classification: Uncertain significance for Familial cancer of breast. Last evaluated: 2017-01-03. Review status: criteria provided, single submitter. Criteria: Invitae Variant Classification Sherloc (09022015). Collection method: clinical testing. Allele origin: germline.
Comment: This sequence change replaces arginine with lysine at codon 482 of the CHEK2 protein (p.Arg482Lys). The arginine residue is moderately conserved and there is a small physicochemical difference between arginine and lysine. In summary, this variant is a novel missense change that is not predicted to affect protein function. There is no indication that it causes disease, but the available evidence is currently insufficient to prove that conclusively. Therefore, it has been classified as a Variant of Uncertain Significance. Algorithms developed to predict the effect of missense changes on protein structure and function output the following: (SIFT: "Tolerated"; PolyPhen-2: "Benign"; Align-GVGD: "Class C0"). The lysine amino acid residue is found in multiple mammalian species, suggesting that this missense change does not adversely affect protein function. These predictions have not been confirmed by published functional studies. This variant is not present in population databases (ExAC no frequency) and has not been reported in the literature in individuals with a CHEK2-related disease.

NM_007194.4(CHEK2):c.1445G>A (p.Arg482Lys)

Gene: CHEK2 (checkpoint kinase 2; minus strand). Cytogenetic location: 22q12.1.
Variant type: single nucleotide variant.
Coding change: c.1445G>A on transcript NM_007194.4 (MANE Select); coding-DNA position 1445, G replaced by A.
Protein change: p.Arg482Lys; replaces arginine 482 with lysine.
Molecular consequence: missense variant.
Genome position (GRCh38, 1-based): chr22:28,694,048, C>T on the plus strand (G>A on the coding strand, the complement: CHEK2 is on the minus strand). VCF-style: chr22-28694048-C-T. GRCh37 (hg19) VCF-style: chr22-29090036-C-T.
Other names: c.1574G>A, p.Arg525Lys (NM_001005735.3); c.782G>A, p.Arg261Lys (NM_001257387.3); c.1244G>A, p.Arg415Lys (NM_001349956.3); c.1358G>A, p.Arg453Lys (NM_145862.3); short protein forms R482K, R415K, R261K, R453K, R525K.
Identifiers: ClinVar variation 460803 (VCV000460803.11), dbSNP rs1555913090, ClinGen allele CA411094030.